The following is an entry in ClinVar:

NM_032119.4(ADGRV1):c.8969G>T (p.Gly2990Val)

Gene: ADGRV1 (adhesion G protein-coupled receptor V1; plus strand). Cytogenetic location: 5q14.3.
Variant type: single nucleotide variant.
Coding change: c.8969G>T on transcript NM_032119.4 (MANE Select); coding-DNA position 8969, G replaced by T.
Protein change: p.Gly2990Val; replaces glycine 2990 with valine.
Molecular consequence: missense variant. On other transcripts: non-coding transcript variant (1).
Genome position (GRCh38, 1-based): chr5:90,711,249, G>T. VCF-style: chr5-90711249-G-T. GRCh37 (hg19) VCF-style: chr5-90007066-G-T.
Other names: short protein forms G2990V.
Identifiers: ClinVar variation 2103655 (VCV002103655.4), dbSNP rs2531147391, ClinGen allele CA360395797.

ClinVar aggregate classification (germline): Uncertain significance (1 of 4 stars; one submission).

Submission:

Labcorp Genetics (formerly Invitae), Labcorp
Classification: Uncertain significance. Last evaluated: 2022-03-17. Review status: criteria provided, single submitter. Criteria: Invitae Variant Classification Sherloc (09022015). Collection method: clinical testing. Allele origin: germline.
Comment: This sequence change replaces glycine, which is neutral and non-polar, with valine, which is neutral and non-polar, at codon 2990 of the ADGRV1 protein (p.Gly2990Val). This variant is not present in population databases (gnomAD no frequency). This variant has not been reported in the literature in individuals affected with ADGRV1-related conditions. Algorithms developed to predict the effect of missense changes on protein structure and function are either unavailable or do not agree on the potential impact of this missense change (SIFT: "Deleterious"; PolyPhen-2: "Probably Damaging"; Align-GVGD: "Class C0"). In summary, the available evidence is currently insufficient to determine the role of this variant in disease. Therefore, it has been classified as a Variant of Uncertain Significance.